The following is an entry in ClinVar:

ClinVar aggregate classification (germline): Likely benign. Review status: criteria provided, single submitter (1 of 4 stars). 2 submissions from 2 submitters: Likely benign (1). 1 of the submissions does not count toward it. Last evaluated 2024-11-26.

Conditions:
TTC7A-related disorder. Also called: TTC7A-related condition.

Allele frequency attached by ClinVar (database versions not stated): 1000 Genomes Project 0.00100; 1000 Genomes Project 30x 0.00141; gnomAD 0.00456; TOPMed 0.00465; gnomAD exomes 0.00534.
gnomAD v4.1: 3,787 of 728,718 alleles (0.52%); highest among the groups gnomAD compares: Non-Finnish European, 0.72%; 10 homozygotes.

Submissions (2):

Blueprint Genetics
Classification: Likely benign. Last evaluated: 2024-11-26. Review status: criteria provided, single submitter. Criteria: ACMG Guidelines, 2015. Collection method: clinical testing. Allele origin: germline.

PreventionGenetics, part of Exact Sciences
Classification: Benign for TTC7A-related condition. Last evaluated: 2019-05-01. Review status: no assertion criteria provided. Collection method: clinical testing. Allele origin: germline. Not counted in ClinVar's aggregate classification.
Comment: This variant is classified as benign based on ACMG/AMP sequence variant interpretation guidelines (Richards et al. 2015 PMID: 25741868, with internal and published modifications).

NM_020458.4(TTC7A):c.1510+109T>A

Gene: TTC7A (tetratricopeptide repeat domain 7A; plus strand). Cytogenetic location: 2p21.
Variant type: single nucleotide variant.
Coding change: c.1510+109T>A on transcript NM_020458.4 (MANE Select); 109 bases into the intron after coding-DNA position 1510, T replaced by A.
Molecular consequence: intron variant.
Genome position (GRCh38, 1-based): chr2:47,022,088, T>A. VCF-style: chr2-47022088-T-A. GRCh37 (hg19) VCF-style: chr2-47249227-T-A.
Other names: c.1408+109T>A (NM_001288953.2); c.1510+109T>A (NM_001288951.2); c.448+109T>A (NM_001288955.2).
Identifiers: ClinVar variation 3038365 (VCV003038365.3), dbSNP rs555007487, ClinGen allele CA46634635.